The following is an entry in ClinVar:

NM_004519.4(KCNQ3):c.1546A>G (p.Lys516Glu)

Gene: KCNQ3 (potassium voltage-gated channel subfamily Q member 3; minus strand). Cytogenetic location: 8q24.22.
Variant type: single nucleotide variant.
Coding change: c.1546A>G on transcript NM_004519.4 (MANE Select); coding-DNA position 1546, A replaced by G.
Protein change: p.Lys516Glu; replaces lysine 516 with glutamic acid.
Molecular consequence: missense variant.
Genome position (GRCh38, 1-based): chr8:132,140,098, T>C on the plus strand (A>G on the coding strand, the complement: KCNQ3 is on the minus strand). VCF-style: chr8-132140098-T-C. GRCh37 (hg19) VCF-style: chr8-133152345-T-C.
Other names: c.1186A>G, p.Lys396Glu (NM_001204824.2); short protein forms K516E, K396E.
Identifiers: ClinVar variation 3652630 (VCV003652630.2).

ClinVar aggregate classification (germline): Uncertain significance (1 of 4 stars; one submission).

Conditions:
Benign neonatal seizures. Also called: Benign familial neonatal epilepsy; Benign familial neonatal seizures; Benign neonatal familial convulsions; Convulsions benign familial neonatal dominant form; Autosomal dominant form of benign neonatal seizures. Identifiers: Orphanet 1949, MedGen C0220669, MONDO:0016027.

Submission:

Labcorp Genetics (formerly Invitae), Labcorp
Classification: Uncertain significance for Benign neonatal seizures. Last evaluated: 2024-06-15. Review status: criteria provided, single submitter. Criteria: Invitae Variant Classification Sherloc (09022015). Collection method: clinical testing. Allele origin: germline.
Comment: This sequence change replaces lysine, which is basic and polar, with glutamic acid, which is acidic and polar, at codon 516 of the KCNQ3 protein (p.Lys516Glu). This variant is not present in population databases (gnomAD no frequency). This variant has not been reported in the literature in individuals affected with KCNQ3-related conditions. Advanced modeling of protein sequence and biophysical properties (such as structural, functional, and spatial information, amino acid conservation, physicochemical variation, residue mobility, and thermodynamic stability) performed at Invitae indicates that this missense variant is expected to disrupt KCNQ3 protein function with a positive predictive value of 80%. In summary, the available evidence is currently insufficient to determine the role of this variant in disease. Therefore, it has been classified as a Variant of Uncertain Significance.